The following is an entry in ClinVar:

ClinVar aggregate classification (germline): Benign/Likely benign. Review status: criteria provided, multiple submitters, no conflicts (2 of 4 stars). 4 submissions from 4 submitters: Benign (1); Likely benign (3). Last evaluated 2025-12-22.

Conditions:
Hereditary cancer-predisposing syndrome. Also called: Tumor predisposition; Hereditary neoplastic syndrome; Neoplastic Syndromes, Hereditary; Hereditary Cancer Syndrome. Identifiers: Orphanet 140162, MedGen C0027672, MeSH D009386, MONDO:0015356.
Familial cancer of breast. Also called: hereditary breast carcinoma; Hereditary breast cancer; BREAST CANCER, FAMILIAL. Identifiers: Orphanet 227535, MedGen C0346153, MONDO:0016419, OMIM 114480. Disease mechanism: loss of function.
CHEK2-related cancer predisposition (TPDS4). Also called: TUMOR PREDISPOSITION SYNDROME 4; CANCER PREDISPOSITION SYNDROME, CHEK2-RELATED; CHEK2-related cancer susceptibility. Identifiers: Orphanet 524, MedGen C5882668, MONDO:0700271, OMIM 609265.

Allele frequency attached by ClinVar (database versions not stated): gnomAD 0.00004; gnomAD exomes 0.00004; TOPMed 0.00005; ExAC 0.00016.
gnomAD v4.1: 29 of 1,256,760 alleles (0.0023%); highest among the groups gnomAD compares: South Asian, 0.013%; no homozygotes.

Submissions (4):

Labcorp Genetics (formerly Invitae), Labcorp
Classification: Likely benign for Familial cancer of breast. Last evaluated: 2025-12-22. Review status: criteria provided, single submitter. Criteria: Invitae Variant Classification Sherloc (09022015). Collection method: clinical testing. Allele origin: germline.

KCCC/NGS Laboratory, Kuwait Cancer Control Center
Classification: Benign for CHEK2-related cancer predisposition. Last evaluated: 2025-02-01. Review status: criteria provided, single submitter. Criteria: ACMG Guidelines, 2015. Collection method: clinical testing. Allele origin: germline. Affected: no.

GeneDx
Classification: Likely benign. Last evaluated: 2016-12-13. Review status: criteria provided, single submitter. Criteria: GeneDx Variant Classification (06012015). Collection method: clinical testing. Allele origin: germline. Affected: yes.
Comment: This variant is considered likely benign or benign based on one or more of the following criteria: it is a conservative change, it occurs at a poorly conserved position in the protein, it is predicted to be benign by multiple in silico algorithms, and/or has population frequency not consistent with disease.

Color Diagnostics, LLC DBA Color Health
Classification: Likely benign for Hereditary cancer-predisposing syndrome. Last evaluated: 2016-10-11. Review status: criteria provided, single submitter. Criteria: ACMG Guidelines, 2015. Collection method: clinical testing. Allele origin: germline.

NM_007194.4(CHEK2):c.908+19A>T

Gene: CHEK2 (checkpoint kinase 2; minus strand). Cytogenetic location: 22q12.1.
Variant type: single nucleotide variant.
Coding change: c.908+19A>T on transcript NM_007194.4 (MANE Select); 19 bases into the intron after coding-DNA position 908, A replaced by T.
Molecular consequence: intron variant.
Genome position (GRCh38, 1-based): chr22:28,703,486, T>A on the plus strand (A>T on the coding strand, the complement: CHEK2 is on the minus strand). VCF-style: chr22-28703486-T-A. GRCh37 (hg19) VCF-style: chr22-29099474-T-A.
Other names: c.245+19A>T (NM_001437942.1, NM_001257387.3); c.707+19A>T (NM_001349956.3); c.908+19A>T (NM_145862.3); c.1001+19A>T (NM_001438295.1, NM_001438293.1); c.1037+19A>T (NM_001438294.1, NM_001005735.3).
Identifiers: ClinVar variation 380543 (VCV000380543.14), dbSNP rs759973493, ClinGen allele CA10167788.
Genomic context (GRCh38, chr22:28,703,486, plus strand): 5'-CAAGCCTACATTAGATTCTTTGGTGGCTTTATAAAGCATTTGAATGGAAACAGAAATTTT[T>A]AAAAAGTTTACTACTTACAATTCCAAAACAATATAATAATCTTCTGCATCAAAAAAGTTT-3'